The following is an entry in ClinVar:

NM_005428.4(VAV1):c.1932T>G (p.Thr644=)

Gene: VAV1 (vav guanine nucleotide exchange factor 1; plus strand). Cytogenetic location: 19p13.3.
Variant type: single nucleotide variant.
Coding change: c.1932T>G on transcript NM_005428.4 (MANE Select); coding-DNA position 1932, T replaced by G.
Protein change: p.Thr644=; no amino-acid change (threonine 644 retained).
Molecular consequence: synonymous variant. On other transcripts: intron variant (1).
Genome position (GRCh38, 1-based): chr19:6,837,002, T>G. VCF-style: chr19-6837002-T-G. GRCh37 (hg19) VCF-style: chr19-6837013-T-G.
Other names: c.1836T>G, p.Thr612= (NM_001258207.2); c.1914+434T>G (NM_001258206.2).
Identifiers: ClinVar variation 2024637 (VCV002024637.4), dbSNP rs2512387169, ClinGen allele CA505213960.

ClinVar aggregate classification (germline): Uncertain significance (1 of 4 stars; one submission).

Submission:

Labcorp Genetics (formerly Invitae), Labcorp
Classification: Uncertain significance. Last evaluated: 2022-10-27. Review status: criteria provided, single submitter. Criteria: Invitae Variant Classification Sherloc (09022015). Collection method: clinical testing. Allele origin: germline.
Comment: In summary, the available evidence is currently insufficient to determine the role of this variant in disease. Therefore, it has been classified as a Variant of Uncertain Significance. Algorithms developed to predict the effect of sequence changes on RNA splicing suggest that this variant may create or strengthen a splice site. This variant has not been reported in the literature in individuals affected with VAV1-related conditions. This variant is not present in population databases (gnomAD no frequency). This sequence change affects codon 644 of the VAV1 mRNA. It is a 'silent' change, meaning that it does not change the encoded amino acid sequence of the VAV1 protein.